The following is an entry in ClinVar:

NM_001378120.1(MBD5):c.1240C>A (p.Pro414Thr)

Gene: MBD5 (methyl-CpG binding domain protein 5; plus strand). Cytogenetic location: 2q23.1.
Variant type: single nucleotide variant.
Coding change: c.1240C>A on transcript NM_001378120.1 (MANE Select); coding-DNA position 1240, C replaced by A.
Protein change: p.Pro414Thr; replaces proline 414 with threonine.
Molecular consequence: missense variant.
Genome position (GRCh38, 1-based): chr2:148,469,183, C>A. VCF-style: chr2-148469183-C-A. GRCh37 (hg19) VCF-style: chr2-149226752-C-A.
Other names: c.1240C>A, p.Pro414Thr (NM_018328.5); short protein forms P414T.
Identifiers: ClinVar variation 2128031 (VCV002128031.5), dbSNP rs1208284562, ClinGen allele CA348719267.
Genomic context (GRCh38, chr2:148,469,183, plus strand): 5'-GTAAGCATGCCTCCTGCTGTTGTTCCTTTGCCAAGTAATCTCCCATTGCCAACTGTAAAA[C>A]CTGGTCACATGAATCATGGGAGTCATGTACAAAGAGTTCAGCATTCAGCTTCAACCTCCC-3'
Protein context (NP_001365049.1, residues 404-424): PSNLPLPTVK[Pro414Thr]GHMNHGSHVQ

ClinVar aggregate classification (germline): Uncertain significance. Review status: criteria provided, single submitter (1 of 4 stars). 2 submissions from 2 submitters: Uncertain significance (1). 1 of the submissions does not count toward it. Last evaluated 2022-05-13.

Conditions:
Intellectual developmental disorder, autosomal dominant 1. Also called: Intellectual disability, autosomal dominant 1; MBD5 Haploinsufficiency. Identifiers: Orphanet 228402, MedGen C1969562, MONDO:0007974, OMIM 156200.

Submissions (2):

Labcorp Genetics (formerly Invitae), Labcorp
Classification: Uncertain significance for Intellectual developmental disorder, autosomal dominant 1. Last evaluated: 2022-05-13. Review status: criteria provided, single submitter. Criteria: Invitae Variant Classification Sherloc (09022015). Collection method: clinical testing. Allele origin: germline.
Comment: This sequence change replaces proline, which is neutral and non-polar, with threonine, which is neutral and polar, at codon 414 of the MBD5 protein (p.Pro414Thr). This variant is not present in population databases (gnomAD no frequency). This missense change has been observed in individual(s) with clinical features of MBD5-related conditions (Invitae). Algorithms developed to predict the effect of missense changes on protein structure and function (SIFT, PolyPhen-2, Align-GVGD) all suggest that this variant is likely to be disruptive. In summary, the available evidence is currently insufficient to determine the role of this variant in disease. Therefore, it has been classified as a Variant of Uncertain Significance.

Clinical Genetics Laboratory, University Hospital Schleswig-Holstein
Classification: Uncertain significance for Intellectual developmental disorder, autosomal dominant 1. Last evaluated: 2024-05-30. Review status: no assertion criteria provided. Collection method: clinical testing. Allele origin: germline. Affected: yes. Not counted in ClinVar's aggregate classification.